The following is an entry in ClinVar:

NM_003743.5(NCOA1):c.386G>T (p.Cys129Phe)

Gene: NCOA1 (nuclear receptor coactivator 1; plus strand). Cytogenetic location: 2p23.3.
Variant type: single nucleotide variant.
Coding change: c.386G>T on transcript NM_003743.5 (MANE Select); coding-DNA position 386, G replaced by T.
Protein change: p.Cys129Phe; replaces cysteine 129 with phenylalanine.
Molecular consequence: missense variant.
Genome position (GRCh38, 1-based): chr2:24,682,982, G>T. VCF-style: chr2-24682982-G-T. GRCh37 (hg19) VCF-style: chr2-24905851-G-T.
Other names: c.386G>T, p.Cys129Phe (NM_001362950.1, NM_001362952.1, NM_001362954.1 and 3 more transcripts); short protein forms C129F.
Identifiers: ClinVar variation 4998834 (VCV004998834.1).

ClinVar aggregate classification (germline): Uncertain significance (1 of 4 stars; one submission).

Conditions:
NCOA1-related disorder. Also called: NCOA1-related condition.

gnomAD v4.1: 1 of 1,604,850 alleles (0.000062%); highest among the groups gnomAD compares: Non-Finnish European, 0.000085%; no homozygotes.

Submission:

PreventionGenetics, part of Exact Sciences
Classification: Uncertain significance for NCOA1-related condition. Last evaluated: 2025-07-05. Review status: criteria provided, single submitter. Criteria: ACMG Guidelines, 2015. Collection method: clinical testing. Allele origin: germline.
Comment: The NCOA1 c.386G>T variant is predicted to result in the amino acid substitution p.Cys129Phe. To our knowledge, this variant has not been reported in the literature or in a large population database (gnomAD), indicating this variant is rare. At this time, the clinical significance of this variant is uncertain due to the absence of conclusive functional and genetic evidence.